The following is an entry in ClinVar:

ClinVar aggregate classification (germline): Likely pathogenic. Review status: criteria provided, single submitter (1 of 4 stars). 2 submissions from 2 submitters: Likely pathogenic (1). 1 of the submissions does not count toward it. Last evaluated 2025-11-27.

Conditions:
Bardet-Biedl syndrome (BBS). Identifiers: Orphanet 110, MedGen C0752166, MONDO:0015229.
BBS2-related disorder. Also called: BBS2-related disorders; BBS2-related condition. Identifiers: MedGen CN239228.

Submissions (2):

Labcorp Genetics (formerly Invitae), Labcorp
Classification: Likely pathogenic for Bardet-Biedl syndrome. Last evaluated: 2025-11-27. Review status: criteria provided, single submitter. Criteria: Invitae Variant Classification Sherloc (09022015). Collection method: clinical testing. Allele origin: germline.
Comment: This sequence change affects an acceptor splice site in intron 15 of the BBS2 gene. It is expected to disrupt RNA splicing. Variants that disrupt the donor or acceptor splice site typically lead to a loss of protein function (PMID: 16199547), and loss-of-function variants in BBS2 are known to be pathogenic (PMID: 11285252, 20177705, 24608809, 26518167). This variant is not present in population databases (gnomAD no frequency). This variant has not been reported in the literature in individuals affected with BBS2-related conditions. ClinVar contains an entry for this variant (Variation ID: 3346302). Algorithms developed to predict the effect of sequence changes on RNA splicing suggest that this variant may disrupt the consensus splice site. In summary, the currently available evidence indicates that the variant is pathogenic, but additional data are needed to prove that conclusively. Therefore, this variant has been classified as Likely Pathogenic.

PreventionGenetics, part of Exact Sciences
Classification: Likely pathogenic for BBS2-related condition. Last evaluated: 2024-09-24. Review status: no assertion criteria provided. Collection method: clinical testing. Allele origin: germline. Not counted in ClinVar's aggregate classification.
Comment: The BBS2 c.1911-2A>G variant is predicted to disrupt the AG splice acceptor site and interfere with normal splicing. To our knowledge, this variant has not been reported in the literature or in a large population database, indicating this variant is rare. Variants that disrupt the consensus splice acceptor site in BBS2 are expected to be pathogenic. This variant is interpreted as likely pathogenic.

Literature cited by the submitters: PubMed 16199547 (cited by Labcorp Genetics (formerly Invitae), Labcorp); PubMed 11285252 (cited by Labcorp Genetics (formerly Invitae), Labcorp); PubMed 20177705 (cited by Labcorp Genetics (formerly Invitae), Labcorp); PubMed 24608809 (cited by Labcorp Genetics (formerly Invitae), Labcorp); PubMed 26518167 (cited by Labcorp Genetics (formerly Invitae), Labcorp).

NM_031885.5(BBS2):c.1911-2A>G

Gene: BBS2 (Bardet-Biedl syndrome 2; minus strand). Cytogenetic location: 16q13.
Variant type: single nucleotide variant.
Coding change: c.1911-2A>G on transcript NM_031885.5 (MANE Select); the canonical splice acceptor site of the intron before coding-DNA position 1911, A replaced by G.
Molecular consequence: splice acceptor variant.
Genome position (GRCh38, 1-based): chr16:56,485,740, T>C on the plus strand (A>G on the coding strand, the complement: BBS2 is on the minus strand). VCF-style: chr16-56485740-T-C. GRCh37 (hg19) VCF-style: chr16-56519652-T-C.
Other names: c.1911-2A>G (NM_001377456.1).
Identifiers: ClinVar variation 3346302 (VCV003346302.2).